The following is an entry in ClinVar:

NM_018706.7(DHTKD1):c.1264G>A (p.Asp422Asn)

Gene: DHTKD1 (dehydrogenase E1 and transketolase domain containing 1; plus strand). Cytogenetic location: 10p14.
Variant type: single nucleotide variant.
Coding change: c.1264G>A on transcript NM_018706.7 (MANE Select); coding-DNA position 1264, G replaced by A.
Protein change: p.Asp422Asn; replaces aspartic acid 422 with asparagine.
Molecular consequence: missense variant.
Genome position (GRCh38, 1-based): chr10:12,094,177, G>A. VCF-style: chr10-12094177-G-A. GRCh37 (hg19) VCF-style: chr10-12136176-G-A.
Other names: short protein forms D422N.
Identifiers: ClinVar variation 2881906 (VCV002881906.3), dbSNP rs1833033980, ClinGen allele CA376020230.

ClinVar aggregate classification (germline): Uncertain significance (1 of 4 stars; one submission).

Conditions:
2-aminoadipic 2-oxoadipic aciduria (AAKAD). Also called: Aminoadipic aciduria; ALPHA-AMINOADIPIC AND ALPHA-KETOADIPIC ACIDURIA. Identifiers: Orphanet 79154, MedGen C1859817, MONDO:0008774, OMIM 204750.

Allele frequency attached by ClinVar (database versions not stated): gnomAD exomes below 0.00001; gnomAD 0.00001.

Submission:

Labcorp Genetics (formerly Invitae), Labcorp
Classification: Uncertain significance for 2-aminoadipic 2-oxoadipic aciduria. Last evaluated: 2025-06-17. Review status: criteria provided, single submitter. Criteria: Invitae Variant Classification Sherloc (09022015). Collection method: clinical testing. Allele origin: germline.
Comment: This sequence change replaces aspartic acid, which is acidic and polar, with asparagine, which is neutral and polar, at codon 422 of the DHTKD1 protein (p.Asp422Asn). This variant is not present in population databases (gnomAD no frequency). This variant has not been reported in the literature in individuals affected with DHTKD1-related conditions. ClinVar contains an entry for this variant (Variation ID: 2881906). Invitae Evidence Modeling of protein sequence and biophysical properties (such as structural, functional, and spatial information, amino acid conservation, physicochemical variation, residue mobility, and thermodynamic stability) has been performed for this missense variant. However, the output from this modeling did not meet the statistical confidence thresholds required to predict the impact of this variant on DHTKD1 protein function. In summary, the available evidence is currently insufficient to determine the role of this variant in disease. Therefore, it has been classified as a Variant of Uncertain Significance.